The following is an entry in ClinVar:

ClinVar aggregate classification (germline): Uncertain significance (1 of 4 stars; one submission).

gnomAD v4.1: 1 of 1,606,806 alleles (0.000062%); highest among the groups gnomAD compares: Non-Finnish European, 0.000085%; no homozygotes.

Submission:

Labcorp Genetics (formerly Invitae), Labcorp
Classification: Uncertain significance. Last evaluated: 2021-11-17. Review status: criteria provided, single submitter. Criteria: Invitae Variant Classification Sherloc (09022015). Collection method: clinical testing. Allele origin: germline.
Comment: In summary, the available evidence is currently insufficient to determine the role of this variant in disease. Therefore, it has been classified as a Variant of Uncertain Significance. Algorithms developed to predict the effect of missense changes on protein structure and function (SIFT, PolyPhen-2, Align-GVGD) all suggest that this variant is likely to be disruptive. This missense change has been observed in individual(s) with OTOF-related conditions (Invitae). This variant is not present in population databases (gnomAD no frequency). This sequence change replaces aspartic acid, which is acidic and polar, with tyrosine, which is neutral and polar, at codon 1709 of the OTOF protein (p.Asp1709Tyr).

NM_194248.3(OTOF):c.5125G>T (p.Asp1709Tyr)

Genes: OTOF (otoferlin; minus strand), LOC112840921 (BRD4-independent group 4 enhancer GRCh37_chr2:26685720-26686919; plus strand). Cytogenetic location: 2p23.3.
Variant type: single nucleotide variant.
Coding change: c.5125G>T on transcript NM_194248.3 (MANE Select); coding-DNA position 5125, G replaced by T.
Protein change: p.Asp1709Tyr; replaces aspartic acid 1709 with tyrosine.
Molecular consequence: missense variant.
Genome position (GRCh38, 1-based): chr2:26,463,550, C>A on the plus strand (G>T on the coding strand, the complement: OTOF is on the minus strand). VCF-style: chr2-26463550-C-A. GRCh37 (hg19) VCF-style: chr2-26686418-C-A.
Other names: c.5125G>T, p.Asp1709Tyr (NM_001287489.2); c.2824G>T, p.Asp942Tyr (NM_004802.4, NM_194323.3); c.3055G>T, p.Asp1019Tyr (NM_194322.3); short protein forms D942Y, D1709Y, D1019Y.
Identifiers: ClinVar variation 1376926 (VCV001376926.6), dbSNP rs1380599350, ClinGen allele CA346132926.